The following is an entry in ClinVar:

ClinVar aggregate classification (germline): Uncertain significance (1 of 4 stars; one submission).

gnomAD v4.1: 12 of 1,614,084 alleles (0.00074%); highest among the groups gnomAD compares: Non-Finnish European, 0.001%; no homozygotes.

Submission:

Labcorp Genetics (formerly Invitae), Labcorp
Classification: Uncertain significance. Last evaluated: 2025-08-29. Review status: criteria provided, single submitter. Criteria: Invitae Variant Classification Sherloc (09022015). Collection method: clinical testing. Allele origin: germline.
Comment: This sequence change replaces arginine, which is basic and polar, with leucine, which is neutral and non-polar, at codon 317 of the MCM3AP protein (p.Arg317Leu). This variant is present in population databases (rs145767384, gnomAD 0.002%). This variant has not been reported in the literature in individuals affected with MCM3AP-related conditions. ClinVar contains an entry for this variant (Variation ID: 1512849). An algorithm developed to predict the effect of missense changes on protein structure and function (PolyPhen-2) suggests that this variant is likely to be disruptive. In summary, the available evidence is currently insufficient to determine the role of this variant in disease. Therefore, it has been classified as a Variant of Uncertain Significance.

NM_003906.5(MCM3AP):c.950G>T (p.Arg317Leu)

Gene: MCM3AP (minichromosome maintenance complex component 3 associated protein; minus strand). Cytogenetic location: 21q22.3.
Variant type: single nucleotide variant.
Coding change: c.950G>T on transcript NM_003906.5 (MANE Select); coding-DNA position 950, G replaced by T.
Protein change: p.Arg317Leu; replaces arginine 317 with leucine.
Molecular consequence: missense variant.
Genome position (GRCh38, 1-based): chr21:46,284,337, C>A on the plus strand (G>T on the coding strand, the complement: MCM3AP is on the minus strand). VCF-style: chr21-46284337-C-A. GRCh37 (hg19) VCF-style: chr21-47704251-C-A.
Other names: short protein forms R317L.
Identifiers: ClinVar variation 1512849 (VCV001512849.4), dbSNP rs145767384, ClinGen allele CA10077225.